The following is an entry in ClinVar:

NM_001243133.2(NLRP3):c.1921G>A (p.Val641Met)

Gene: NLRP3 (NLR family pyrin domain containing 3; plus strand). Cytogenetic location: 1q44.
Variant type: single nucleotide variant.
Coding change: c.1921G>A on transcript NM_001243133.2 (MANE Select); coding-DNA position 1921, G replaced by A.
Protein change: p.Val641Met; replaces valine 641 with methionine.
Molecular consequence: missense variant.
Genome position (GRCh38, 1-based): chr1:247,425,370, G>A. VCF-style: chr1-247425370-G-A. GRCh37 (hg19) VCF-style: chr1-247588672-G-A.
Other names: c.1921G>A, p.Val641Met (NM_001079821.3, NM_001127461.3, NM_001127462.3 and 1 more transcripts); c.1927G>A, p.Val643Met (NM_004895.5); short protein forms V641M, V643M.
Identifiers: ClinVar variation 1507177 (VCV001507177.7), dbSNP rs1662794808, ClinGen allele CA345558161.

ClinVar aggregate classification (germline): Uncertain significance. Review status: criteria provided, multiple submitters, no conflicts (2 of 4 stars). 2 submissions from 2 submitters: Uncertain significance (2). Last evaluated 2024-07-23.

Conditions:
Cryopyrin associated periodic syndrome (CAPS). Identifiers: Orphanet 208650, MedGen C2316212, MONDO:0016168.
Familial cold autoinflammatory syndrome 1 (FCAS1). Also called: CRYOPYRIN-ASSOCIATED PERIODIC SYNDROME 1; Familial cold inflammatory syndrome 1. Identifiers: Orphanet 47045, MedGen C4551895, MONDO:0007349, OMIM 120100.
Familial amyloid nephropathy with urticaria AND deafness (MWS). Also called: MUCKLE-WELLS SYNDROME; Urticaria, deafness and amyloidosis; UDA SYNDROME; URTICARIA-DEAFNESS-AMYLOIDOSIS SYNDROME; CRYOPYRIN-ASSOCIATED PERIODIC SYNDROME 2. Identifiers: Orphanet 575, MedGen C0268390, MONDO:0008633, OMIM 191900.
Hearing loss, autosomal dominant 34, with or without inflammation. Also called: DEAFNESS, AUTOSOMAL DOMINANT 34, WITH OR WITHOUT INFLAMMATION. Identifiers: MedGen C4521680, MONDO:0033261, OMIM 617772.
Chronic infantile neurological, cutaneous and articular syndrome (CINCA). Also called: Prieur Griscelli syndrome; CINCA syndrome; CHRONIC NEUROLOGIC CUTANEOUS AND ARTICULAR SYNDROME; CRYOPYRIN-ASSOCIATED PERIODIC SYNDROME 3. Identifiers: Orphanet 1451, MedGen C0409818, MONDO:0011776, OMIM 607115.
Keratitis fugax hereditaria. Also called: KERATOENDOTHELIITIS FUGAX HEREDITARIA. Identifiers: Orphanet 647815, MedGen C1835697, MONDO:0007849, OMIM 148200.

Allele frequency attached by ClinVar (database versions not stated): gnomAD 0.00001.
gnomAD v4.1: 7 of 1,614,062 alleles (0.00043%); highest among the groups gnomAD compares: African/African-American, 0.0013%; no homozygotes.

Submissions (2):

Labcorp Genetics (formerly Invitae), Labcorp
Classification: Uncertain significance for Cryopyrin associated periodic syndrome. Last evaluated: 2024-07-23. Review status: criteria provided, single submitter. Criteria: Invitae Variant Classification Sherloc (09022015). Collection method: clinical testing. Allele origin: germline.
Comment: This sequence change replaces valine, which is neutral and non-polar, with methionine, which is neutral and non-polar, at codon 643 of the NLRP3 protein (p.Val643Met). This variant is not present in population databases (gnomAD no frequency). This variant has not been reported in the literature in individuals affected with NLRP3-related conditions. ClinVar contains an entry for this variant (Variation ID: 1507177). Advanced modeling of protein sequence and biophysical properties (such as structural, functional, and spatial information, amino acid conservation, physicochemical variation, residue mobility, and thermodynamic stability) has been performed at Invitae for this missense variant, however the output from this modeling did not meet the statistical confidence thresholds required to predict the impact of this variant on NLRP3 protein function. In summary, the available evidence is currently insufficient to determine the role of this variant in disease. Therefore, it has been classified as a Variant of Uncertain Significance.

Fulgent Genetics
Classification: Uncertain significance for Familial cold autoinflammatory syndrome 1; Keratitis fugax hereditaria; Familial amyloid nephropathy with urticaria AND deafness; Chronic infantile neurological, cutaneous and articular syndrome; Hearing loss, autosomal dominant 34, with or without inflammation. Last evaluated: 2021-12-20. Review status: criteria provided, single submitter. Criteria: ACMG Guidelines, 2015. Collection method: clinical testing. Allele origin: unknown.